The following is an entry in ClinVar:

NM_001376.5(DYNC1H1):c.6857+4C>T

Gene: DYNC1H1 (dynein cytoplasmic 1 heavy chain 1; plus strand). Cytogenetic location: 14q32.31.
Variant type: single nucleotide variant.
Coding change: c.6857+4C>T on transcript NM_001376.5 (MANE Select); 4 bases into the intron after coding-DNA position 6857, C replaced by T.
Molecular consequence: intron variant.
Genome position (GRCh38, 1-based): chr14:102,012,117, C>T. VCF-style: chr14-102012117-C-T. GRCh37 (hg19) VCF-style: chr14-102478454-C-T.
Identifiers: ClinVar variation 1019469 (VCV001019469.10), dbSNP rs374773368, ClinGen allele CA267004101.

ClinVar aggregate classification (germline): Uncertain significance. Review status: criteria provided, multiple submitters, no conflicts (2 of 4 stars). 2 submissions from 2 submitters: Uncertain significance (2). Last evaluated 2021-07-13.

Conditions:
Inborn genetic diseases. Identifiers: MedGen C0950123, MeSH D030342.
Charcot-Marie-Tooth disease axonal type 2O. Also called: CHARCOT-MARIE-TOOTH NEUROPATHY, AXONAL, TYPE 2O; CHARCOT-MARIE-TOOTH DISEASE, AXONAL, AUTOSOMAL DOMINANT, TYPE 2O; Charcot-Marie-Tooth Neuropathy Type 2O; Charcot-Marie-Tooth disease, axonal, type 20. Identifiers: Orphanet 284232, MedGen C3280220, MONDO:0013644, OMIM 614228.

Allele frequency attached by ClinVar (database versions not stated): gnomAD exomes below 0.00001 and 0.00001; gnomAD 0.00001; TOPMed 0.00001; ESP Exome Variant Server 0.00008.
gnomAD v4.1: 12 of 1,614,020 alleles (0.00074%); highest among the groups gnomAD compares: Non-Finnish European, 0.00068%; no homozygotes.

Submissions (2):

Ambry Genetics
Classification: Uncertain significance for Inborn genetic diseases. Last evaluated: 2021-07-13. Review status: criteria provided, single submitter. Criteria: Ambry Variant Classification Scheme 2023. Collection method: clinical testing. Allele origin: germline.
Comment: The c.6857+4C>T intronic alteration consists of a C to T substitution 4 nucleotides after exon 33 of the DYNC1H1 gene. Based on insufficient or conflicting evidence, the clinical significance of this alteration remains unclear.

Labcorp Genetics (formerly Invitae), Labcorp
Classification: Uncertain significance for Charcot-Marie-Tooth disease axonal type 2O. Last evaluated: 2020-03-25. Review status: criteria provided, single submitter. Criteria: Invitae Variant Classification Sherloc (09022015). Collection method: clinical testing. Allele origin: germline.
Comment: In summary, the available evidence is currently insufficient to determine the role of this variant in disease. Therefore, it has been classified as a Variant of Uncertain Significance. Nucleotide substitutions within the consensus splice site are a relatively common cause of aberrant splicing (PMID: 17576681, 9536098). Algorithms developed to predict the effect of sequence changes on RNA splicing suggest that this variant is not likely to affect RNA splicing, but this prediction has not been confirmed by published transcriptional studies. This variant has not been reported in the literature in individuals with DYNC1H1-related conditions. This variant is not present in population databases (ExAC no frequency). This sequence change falls in intron 33 of the DYNC1H1 gene. It does not directly change the encoded amino acid sequence of the DYNC1H1 protein, but it affects a nucleotide within the consensus splice site of the intron.

Literature cited by the submitters: PubMed 17576681 (cited by Labcorp Genetics (formerly Invitae), Labcorp); PubMed 9536098 (cited by Labcorp Genetics (formerly Invitae), Labcorp).